The following is an entry in ClinVar:

NM_001329943.3(KIAA0586):c.2996del (p.Pro999fs)

Gene: KIAA0586 (KIAA0586; plus strand). Cytogenetic location: 14q23.1.
Variant type: Deletion.
Coding change: c.2996del on transcript NM_001329943.3 (MANE Select); coding-DNA position 2996, one base deleted (C; older notation c.2996delC).
Protein change: p.Pro999fs; shifts the reading frame from proline 999.
Molecular consequence: frameshift variant.
Genome position (GRCh38, 1-based): chr14:58,482,564, C deleted; the last of 2 consecutive C bases (chr14:58,482,563-58,482,564); deleting either gives the same sequence. VCF-style (leftmost placement, unchanged base first): chr14-58482562-TC-T. GRCh37 (hg19) VCF-style: chr14-58949280-TC-T.
Other names: c.2996del, p.Pro999fs (NM_001329946.2, NM_001329947.2, NM_001329944.2); c.2741del, p.Pro914fs (NM_001364700.1, NM_001364701.2, NM_001329945.2 and 1 more transcripts); c.2768del, p.Pro923fs (NM_014749.5); c.2864del, p.Pro955fs (NM_001244192.2); c.2576del, p.Pro859fs (NM_001244193.2); c.3155del, p.Pro1052fs (NM_001244189.2); c.2951del, p.Pro984fs (NM_001244190.2); short protein forms P1052fs, P984fs, P859fs, P955fs, P999fs, P914fs, P923fs.
Identifiers: ClinVar variation 4793007 (VCV004793007.1).

ClinVar aggregate classification (germline): Pathogenic (1 of 4 stars; one submission).

Conditions:
Short-rib thoracic dysplasia 14 with polydactyly (SRTD14). Identifiers: Orphanet 397715, MedGen C4225286, MONDO:0014688, OMIM 616546.
Joubert syndrome 23 (JBTS23). Identifiers: Orphanet 475, MedGen C4084822, MONDO:0014664, OMIM 616490.

Submission:

Labcorp Genetics (formerly Invitae), Labcorp
Classification: Pathogenic for Joubert syndrome 23; Short-rib thoracic dysplasia 14 with polydactyly. Last evaluated: 2025-05-04. Review status: criteria provided, single submitter. Criteria: Invitae Variant Classification Sherloc (09022015). Collection method: clinical testing. Allele origin: germline.
Comment: This sequence change creates a premature translational stop signal (p.Pro1052Leufs*2) in the KIAA0586 gene. It is expected to result in an absent or disrupted protein product. Loss-of-function variants in KIAA0586 are known to be pathogenic (PMID: 26096313, 26166481, 26386044). This variant is not present in population databases (gnomAD no frequency). This variant has not been reported in the literature in individuals affected with KIAA0586-related conditions. For these reasons, this variant has been classified as Pathogenic.

Literature cited by the submitters: PubMed 26096313; PubMed 26166481; PubMed 26386044.